The following is an entry in ClinVar:

NM_001098426.2(SMARCD2):c.1170C>T (p.Asn390=)

Gene: SMARCD2 (SWI/SNF related BAF chromatin remodeling complex subunit D2; minus strand). Cytogenetic location: 17q23.3.
Variant type: single nucleotide variant.
Coding change: c.1170C>T on transcript NM_001098426.2 (MANE Select); coding-DNA position 1170, C replaced by T.
Protein change: p.Asn390=; no amino-acid change (asparagine 390 retained).
Molecular consequence: synonymous variant.
Genome position (GRCh38, 1-based): chr17:63,833,920, G>A on the plus strand (C>T on the coding strand, the complement: SMARCD2 is on the minus strand). VCF-style: chr17-63833920-G-A. GRCh37 (hg19) VCF-style: chr17-61911280-G-A.
Other names: c.945C>T, p.Asn315= (NM_001330439.1); c.1026C>T, p.Asn342= (NM_001330440.2); c.1170C>T (NM_001098426.1).
Identifiers: ClinVar variation 2179255 (VCV002179255.7), dbSNP rs998110874, ClinGen allele CA292952604.

ClinVar aggregate classification (germline): Likely benign. Review status: criteria provided, multiple submitters, no conflicts (2 of 4 stars). 3 submissions from 3 submitters: Likely benign (2). 1 of the submissions does not count toward it. Last evaluated 2025-03-31.

Conditions:
SMARCD2-related disorder. Also called: SMARCD2-related condition.

Allele frequency attached by ClinVar (database versions not stated): gnomAD exomes 0.00001; TOPMed 0.00010; gnomAD 0.00013.
gnomAD v4.1: 36 of 1,610,948 alleles (0.0022%); highest among the groups gnomAD compares: African/African-American, 0.04%; no homozygotes.

Submissions (3):

Labcorp Genetics (formerly Invitae), Labcorp
Classification: Likely benign. Last evaluated: 2025-03-31. Review status: criteria provided, single submitter. Criteria: Invitae Variant Classification Sherloc (09022015). Collection method: clinical testing. Allele origin: germline.

Blueprint Genetics
Classification: Likely benign. Last evaluated: 2022-10-10. Review status: criteria provided, single submitter. Criteria: ACMG Guidelines, 2015. Collection method: clinical testing. Allele origin: germline.

PreventionGenetics, part of Exact Sciences
Classification: Likely benign for SMARCD2-related condition. Last evaluated: 2023-06-13. Review status: no assertion criteria provided. Collection method: clinical testing. Allele origin: germline. Not counted in ClinVar's aggregate classification.
Comment: This variant is classified as likely benign based on ACMG/AMP sequence variant interpretation guidelines (Richards et al. 2015 PMID: 25741868, with internal and published modifications).